The following is an entry in ClinVar:

ClinVar aggregate classification (germline): Uncertain significance. Review status: criteria provided, multiple submitters, no conflicts (2 of 4 stars). 2 submissions from 2 submitters: Uncertain significance (2). Last evaluated 2018-10-26.

Allele frequency attached by ClinVar (database versions not stated): gnomAD 0.00079 and 0.00081; 1000 Genomes Project 0.00080; gnomAD exomes 0.00092 and 0.00100; ExAC 0.00154.
gnomAD v4.1: 1,158 of 1,182,700 alleles (0.098%); highest among the groups gnomAD compares: Middle Eastern, 0.25%; 4 homozygotes.

Submissions (2):

Centre for Mendelian Genomics, University Medical Centre Ljubljana
Classification: Uncertain significance. Last evaluated: 2018-10-26. Review status: criteria provided, single submitter. Criteria: ACMG Guidelines, 2015. Collection method: clinical testing. Allele origin: unknown. Affected: yes.
Comment: This variant was classified as: Uncertain significance. The available evidence on this variant's pathogenicity is insufficient or conflicting. The following ACMG criteria were applied in classifying this variant: No criteria apply.

Breakthrough Genomics
Classification: Uncertain significance. Review status: criteria provided, single submitter. Criteria: ACMG Guidelines, 2015. Collection method: not provided. Allele origin: germline. Inheritance: Unknown mechanism. Affected: yes.

NM_001145128.3(AK9):c.1254+19G>A

Gene: AK9 (adenylate kinase 9; minus strand). Cytogenetic location: 6q21.
Variant type: single nucleotide variant.
Coding change: c.1254+19G>A on transcript NM_001145128.3 (MANE Select); 19 bases into the intron after coding-DNA position 1254, G replaced by A.
Molecular consequence: intron variant. On other transcripts: 3 prime UTR variant (3), non-coding transcript variant (1).
Genome position (GRCh38, 1-based): chr6:109,632,904, C>T on the plus strand (G>A on the coding strand, the complement: AK9 is on the minus strand). VCF-style: chr6-109632904-C-T. GRCh37 (hg19) VCF-style: chr6-109954107-C-T.
Other names: c.*7G>A (NM_001329602.2, NM_001329603.2, NM_145025.5).
Identifiers: ClinVar variation 931746 (VCV000931746.4), dbSNP rs113588284, ClinGen allele CA3955230.
Genomic context (GRCh38, chr6:109,632,904, plus strand): 5'-AGATACATGACAGATAGACATAGATAGATAGATAGATAGATAGATAGATAGATAGATAGA[C>T]AGATAGTTAGTTAGTCACCTTTCCTTTGTAATTTTCTGCAAGCATATTGCAAAGTGTTGT-3'